The following is an entry in ClinVar:

NM_001197104.2(KMT2A):c.10748G>A (p.Gly3583Asp)

Gene: KMT2A (lysine methyltransferase 2A; plus strand). Cytogenetic location: 11q23.3.
Variant type: single nucleotide variant.
Coding change: c.10748G>A on transcript NM_001197104.2 (MANE Select); coding-DNA position 10748, G replaced by A.
Protein change: p.Gly3583Asp; replaces glycine 3583 with aspartic acid.
Molecular consequence: missense variant.
Genome position (GRCh38, 1-based): chr11:118,506,640, G>A. VCF-style: chr11-118506640-G-A. GRCh37 (hg19) VCF-style: chr11-118377355-G-A.
Other names: c.10838G>A, p.Gly3613Asp (NM_001412597.1); c.10739G>A, p.Gly3580Asp (NM_005933.4); short protein forms G3613D, G3583D, G3580D.
Identifiers: ClinVar variation 4691588 (VCV004691588.1).
Genomic context (GRCh38, chr11:118,506,640, plus strand): 5'-TGCGGACCAGTTCTTCTGAAGCACACATTCCAGACCAAGAAACGACATCCCTGACCTCAG[G>A]CACAGGGTGAGAGATCCAAATACTAGCTAGGCTGGGTCTGTGGGATTTCATGTTGTAAAT-3'
Protein context (NP_001184033.1, residues 3573-3593): PDQETTSLTS[Gly3583Asp]TGTPGAEAEQ

ClinVar aggregate classification (germline): Uncertain significance (1 of 4 stars; one submission).

gnomAD v4.1: 30 of 1,593,554 alleles (0.0019%); highest among the groups gnomAD compares: South Asian, 0.0034%; no homozygotes.

Submission:

Labcorp Genetics (formerly Invitae), Labcorp
Classification: Uncertain significance. Last evaluated: 2025-06-22. Review status: criteria provided, single submitter. Criteria: Invitae Variant Classification Sherloc (09022015). Collection method: clinical testing. Allele origin: germline.
Comment: This sequence change replaces glycine, which is neutral and non-polar, with aspartic acid, which is acidic and polar, at codon 3583 of the KMT2A protein (p.Gly3583Asp). This variant is present in population databases (rs148022594, gnomAD 0.004%). This variant has not been reported in the literature in individuals affected with KMT2A-related conditions. Invitae Evidence Modeling of protein sequence and biophysical properties (such as structural, functional, and spatial information, amino acid conservation, physicochemical variation, residue mobility, and thermodynamic stability) indicates that this missense variant is not expected to disrupt KMT2A protein function with a negative predictive value of 95%. In summary, the available evidence is currently insufficient to determine the role of this variant in disease. Therefore, it has been classified as a Variant of Uncertain Significance.